The following is an entry in ClinVar:

NM_001243133.2(NLRP3):c.225G>A (p.Ala75=)

Gene: NLRP3 (NLR family pyrin domain containing 3; plus strand). Cytogenetic location: 1q44.
Variant type: single nucleotide variant.
Coding change: c.225G>A on transcript NM_001243133.2 (MANE Select); coding-DNA position 225, G replaced by A.
Protein change: p.Ala75=; no amino-acid change (alanine 75 retained).
Molecular consequence: synonymous variant.
Genome position (GRCh38, 1-based): chr1:247,419,025, G>A. VCF-style: chr1-247419025-G-A. GRCh37 (hg19) VCF-style: chr1-247582327-G-A.
Other names: c.225G>A, p.Ala75= (NM_001079821.3, NM_001127461.3, NM_001127462.3 and 1 more transcripts); c.231G>A, p.Ala77= (NM_004895.5).
Identifiers: ClinVar variation 1253677 (VCV001253677.13), dbSNP rs140219362, ClinGen allele CA1494767.

ClinVar aggregate classification (germline): Likely benign. Review status: criteria provided, multiple submitters, no conflicts (2 of 4 stars). 4 submissions from 4 submitters: Likely benign (3). 1 of the submissions does not count toward it. Last evaluated 2025-07-15.

Conditions:
NLRP3-related disorder. Also called: NLRP3-related condition; NLRP3-Related Disorders.
Cryopyrin associated periodic syndrome (CAPS). Identifiers: Orphanet 208650, MedGen C2316212, MONDO:0016168.

Allele frequency attached by ClinVar (database versions not stated): ExAC 0.00003; TOPMed 0.00006; gnomAD 0.00007; ESP Exome Variant Server 0.00008.
gnomAD v4.1: 87 of 1,613,332 alleles (0.0054%); highest among the groups gnomAD compares: Non-Finnish European, 0.0068%; no homozygotes.

Submissions (4):

Labcorp Genetics (formerly Invitae), Labcorp
Classification: Likely benign for Cryopyrin associated periodic syndrome. Last evaluated: 2025-07-15. Review status: criteria provided, single submitter. Criteria: Invitae Variant Classification Sherloc (09022015). Collection method: clinical testing. Allele origin: germline.

Blueprint Genetics
Classification: Likely benign. Last evaluated: 2022-04-28. Review status: criteria provided, single submitter. Criteria: ACMG Guidelines, 2015. Collection method: clinical testing. Allele origin: germline.

GeneDx
Classification: Likely benign. Last evaluated: 2019-06-20. Review status: criteria provided, single submitter. Criteria: GeneDx Variant Classification Process June 2021. Collection method: clinical testing. Allele origin: germline. Affected: yes.

PreventionGenetics, part of Exact Sciences
Classification: Likely benign for NLRP3-related condition. Last evaluated: 2019-06-06. Review status: no assertion criteria provided. Collection method: clinical testing. Allele origin: germline. Not counted in ClinVar's aggregate classification.
Comment: This variant is classified as likely benign based on ACMG/AMP sequence variant interpretation guidelines (Richards et al. 2015 PMID: 25741868, with internal and published modifications).